The following is an entry in ClinVar:

ClinVar aggregate classification (germline): Likely benign (0 of 4 stars; one submission).

Conditions:
PTPRD-related disorder. Also called: PTPRD-related condition.

Allele frequency attached by ClinVar (database versions not stated): gnomAD 0.00005; ESP Exome Variant Server 0.00008; TOPMed 0.00009; ExAC 0.00023; 1000 Genomes Project 0.00040; 1000 Genomes Project 30x 0.00047.
gnomAD v4.1: 112 of 1,613,814 alleles (0.0069%); highest among the groups gnomAD compares: Admixed American, 0.15%; no homozygotes.

Submission:

PreventionGenetics, part of Exact Sciences
Classification: Likely benign for PTPRD-related condition. Last evaluated: 2022-04-21. Review status: no assertion criteria provided. Collection method: clinical testing. Allele origin: germline.
Comment: This variant is classified as likely benign based on ACMG/AMP sequence variant interpretation guidelines (Richards et al. 2015 PMID: 25741868, with internal and published modifications).

NM_002839.4(PTPRD):c.91G>A (p.Val31Ile)

Gene: PTPRD (protein tyrosine phosphatase receptor type D; minus strand). Cytogenetic location: 9p24.1.
Variant type: single nucleotide variant.
Coding change: c.91G>A on transcript NM_002839.4 (MANE Select); coding-DNA position 91, G replaced by A.
Protein change: p.Val31Ile; replaces valine 31 with isoleucine.
Molecular consequence: missense variant.
Genome position (GRCh38, 1-based): chr9:8,636,818, C>T on the plus strand (G>A on the coding strand, the complement: PTPRD is on the minus strand). VCF-style: chr9-8636818-C-T. GRCh37 (hg19) VCF-style: chr9-8636818-C-T.
Other names: c.91G>A, p.Val31Ile (NM_001040712.2, NM_001171025.2, NM_001377946.1 and 6 more transcripts); short protein forms V31I.
Identifiers: ClinVar variation 3036449 (VCV003036449.2), dbSNP rs146973770, ClinGen allele CA4985025.